The following is an entry in ClinVar:

NM_020937.4(FANCM):c.3613G>A (p.Asp1205Asn)

Gene: FANCM (FA complementation group M; plus strand). Cytogenetic location: 14q21.2.
Variant type: single nucleotide variant.
Coding change: c.3613G>A on transcript NM_020937.4 (MANE Select); coding-DNA position 3613, G replaced by A.
Protein change: p.Asp1205Asn; replaces aspartic acid 1205 with asparagine.
Molecular consequence: missense variant.
Genome position (GRCh38, 1-based): chr14:45,176,367, G>A. VCF-style: chr14-45176367-G-A. GRCh37 (hg19) VCF-style: chr14-45645570-G-A.
Other names: c.3535G>A, p.Asp1179Asn (NM_001308133.2); short protein forms D1179N, D1205N.
Identifiers: ClinVar variation 1448557 (VCV001448557.8), dbSNP rs936653683, ClinGen allele CA259628408.
Genomic context (GRCh38, chr14:45,176,367, plus strand): 5'-GACAATAATTCTGAACTCCAAGATCAAATCACCCGTGATGCTAATAGTTTTAAATCTCGT[G>A]ATCAGAGAGGTGTACAGGAAGAAAAAGTGAAGAATCATGAGGATATTTTTGATTGCTCTA-3'
Protein context (NP_065988.1, residues 1195-1215): TRDANSFKSR[Asp1205Asn]QRGVQEEKVK

ClinVar aggregate classification (germline): Uncertain significance (1 of 4 stars; one submission).

Conditions:
Fanconi anemia (FA). Also called: Fanconi's anemia. Identifiers: Orphanet 84, MedGen C0015625, MeSH D005199, MONDO:0019391.

Allele frequency attached by ClinVar (database versions not stated): gnomAD exomes below 0.00001.
gnomAD v4.1: 1 of 1,613,202 alleles (0.000062%); highest among the groups gnomAD compares: Non-Finnish European, 0.000085%; no homozygotes.

Submission:

Labcorp Genetics (formerly Invitae), Labcorp
Classification: Uncertain significance for Fanconi anemia. Last evaluated: 2021-05-16. Review status: criteria provided, single submitter. Criteria: Invitae Variant Classification Sherloc (09022015). Collection method: clinical testing. Allele origin: germline.
Comment: In summary, the available evidence is currently insufficient to determine the role of this variant in disease. Therefore, it has been classified as a Variant of Uncertain Significance. Algorithms developed to predict the effect of missense changes on protein structure and function output the following: SIFT: "Tolerated"; PolyPhen-2: "Benign"; Align-GVGD: "Class C0". The asparagine amino acid residue is found in multiple mammalian species, suggesting that this missense change does not adversely affect protein function. These predictions have not been confirmed by published functional studies and their clinical significance is uncertain. This variant has not been reported in the literature in individuals with FANCM-related conditions. This variant is not present in population databases (ExAC no frequency). This sequence change replaces aspartic acid with asparagine at codon 1205 of the FANCM protein (p.Asp1205Asn). The aspartic acid residue is weakly conserved and there is a small physicochemical difference between aspartic acid and asparagine.